The following is an entry in ClinVar:

NC_000016.10:g.(?_2072829)_(2119398_?)del

Genes: MIR1225 (microRNA 1225; minus strand), PKD1 (polycystin 1, transient receptor potential channel interacting; minus strand), TSC2 (TSC complex subunit 2; plus strand). Cytogenetic location: 16p13.3.
Variant type: Deletion.
Identifiers: ClinVar variation 832211 (VCV000832211.5).

ClinVar aggregate classification (germline): Pathogenic (1 of 4 stars; one submission).

Conditions:
Tuberous sclerosis 2 (TSC2). Identifiers: Orphanet 805, MedGen C1860707, MONDO:0013199, OMIM 613254.

Submission:

Labcorp Genetics (formerly Invitae), Labcorp
Classification: Pathogenic for Tuberous sclerosis 2. Last evaluated: 2019-03-26. Review status: criteria provided, single submitter. Criteria: Invitae Variant Classification Sherloc (09022015). Collection method: clinical testing. Allele origin: germline.
Comment: This variant is a gross deletion of the genomic region encompassing exons 21-42 of the TSC2 gene. The 5' boundary is likely confined to intron20. The 3' end of this event is unknown as it extends through the termination codon beyond the assayed region for this gene and may encompass additional genes. While this deletion is not anticipated to result in¬†nonsense mediated¬†decay, it is expected to create a truncated protein product or disrupt mRNA translation. This variant has not been reported in the literature in individuals with TSC2-related conditions. For these reasons, this variant has been classified as Pathogenic. This variant disrupts the C-terminus of the TSC2 protein. Other variant(s) that disrupt this region (Deletion of exons 34-38 and deletion of exons 39-42) have been determined to be pathogenic (PMID:¬†11112665,¬†Invitae). This suggests that variants that disrupt this region of the protein are likely to be causative of disease.